The following is an entry in ClinVar:

ClinVar aggregate classification (germline): Uncertain significance (1 of 4 stars; one submission).

Conditions:
Early-infantile DEE. Also called: Early infantile epileptic encephalopathy; Ohtahara syndrome; Early infantile epileptic encephalopathy with suppression bursts. Identifiers: Orphanet 1934, MedGen C0393706, MONDO:0800491.

Submission:

Labcorp Genetics (formerly Invitae), Labcorp
Classification: Uncertain significance for Early-infantile DEE. Last evaluated: 2025-03-03. Review status: criteria provided, single submitter. Criteria: Invitae Variant Classification Sherloc (09022015). Collection method: clinical testing. Allele origin: germline.
Comment: This sequence change replaces glutamic acid, which is acidic and polar, with aspartic acid, which is acidic and polar, at codon 161 of the SLC25A22 protein (p.Glu161Asp). This variant is not present in population databases (gnomAD no frequency). This variant has not been reported in the literature in individuals affected with SLC25A22-related conditions. ClinVar contains an entry for this variant (Variation ID: 1410564). An algorithm developed to predict the effect of missense changes on protein structure and function (PolyPhen-2) suggests that this variant is likely to be tolerated. In summary, the available evidence is currently insufficient to determine the role of this variant in disease. Therefore, it has been classified as a Variant of Uncertain Significance.

NM_001191061.2(SLC25A22):c.483G>C (p.Glu161Asp)

Gene: SLC25A22 (solute carrier family 25 member 22; minus strand). Cytogenetic location: 11p15.5.
Variant type: single nucleotide variant.
Coding change: c.483G>C on transcript NM_001191061.2 (MANE Select); coding-DNA position 483, G replaced by C.
Protein change: p.Glu161Asp; replaces glutamic acid 161 with aspartic acid.
Molecular consequence: missense variant.
Genome position (GRCh38, 1-based): chr11:792,657, C>G on the plus strand (G>C on the coding strand, the complement: SLC25A22 is on the minus strand). VCF-style: chr11-792657-C-G. GRCh37 (hg19) VCF-style: chr11-792657-C-G.
Other names: c.483G>C, p.Glu161Asp (NM_001191060.2, NM_024698.6); short protein forms E161D.
Identifiers: ClinVar variation 1410564 (VCV001410564.9), dbSNP rs2133701499, ClinGen allele CA378969930.